The following is an entry in ClinVar:

NM_002439.5(MSH3):c.1583T>C (p.Leu528Pro)

Gene: MSH3 (mutS homolog 3; plus strand). Cytogenetic location: 5q14.1.
Variant type: single nucleotide variant.
Coding change: c.1583T>C on transcript NM_002439.5 (MANE Select); coding-DNA position 1583, T replaced by C.
Protein change: p.Leu528Pro; replaces leucine 528 with proline.
Molecular consequence: missense variant.
Genome position (GRCh38, 1-based): chr5:80,741,478, T>C. VCF-style: chr5-80741478-T-C. GRCh37 (hg19) VCF-style: chr5-80037297-T-C.
Other names: short protein forms L528P.
Identifiers: ClinVar variation 2586066 (VCV002586066.2), dbSNP rs1380314630, ClinGen allele CA360274444.

ClinVar aggregate classification (germline): Uncertain significance (1 of 4 stars; one submission).

Conditions:
Hereditary cancer-predisposing syndrome. Also called: Hereditary neoplastic syndrome; Tumor predisposition; Hereditary Cancer Syndrome; Neoplastic Syndromes, Hereditary. Identifiers: Orphanet 140162, MedGen C0027672, MeSH D009386, MONDO:0015356.

Submission:

Ambry Genetics
Classification: Uncertain significance for Hereditary cancer-predisposing syndrome. Last evaluated: 2023-07-10. Review status: criteria provided, single submitter. Criteria: Ambry Variant Classification Scheme 2023. Collection method: clinical testing. Allele origin: germline.
Comment: The p.L528P variant (also known as c.1583T>C), located in coding exon 11 of the MSH3 gene, results from a T to C substitution at nucleotide position 1583. The leucine at codon 528 is replaced by proline, an amino acid with similar properties. This amino acid position is conserved. In addition, this alteration is predicted to be deleterious by in silico analysis. Since supporting evidence is limited at this time, the clinical significance of this alteration remains unclear.